The following is an entry in ClinVar:

NM_001164508.2(NEB):c.21736-1G>T

Genes: NEB (nebulin; minus strand), RIF1 (replication timing regulatory factor 1; plus strand). Cytogenetic location: 2q23.3.
Variant type: single nucleotide variant.
Coding change: c.21736-1G>T on transcript NM_001164508.2 (MANE Select); the canonical splice acceptor site of the intron before coding-DNA position 21736, G replaced by T.
Molecular consequence: splice acceptor variant.
Genome position (GRCh38, 1-based): chr2:151,527,586, C>A on the plus strand (G>T on the coding strand, the complement: NEB is on the minus strand). VCF-style: chr2-151527586-C-A. GRCh37 (hg19) VCF-style: chr2-152384100-C-A.
Other names: c.16633-1G>T (NM_004543.5); c.21736-1G>T (NM_001164507.2); c.21841-1G>T (NM_001271208.2).
Identifiers: ClinVar variation 2105235 (VCV002105235.4), dbSNP rs2552132140, ClinGen allele CA348769186.
Genomic context (GRCh38, chr2:151,527,586, plus strand): 5'-TCGGTCAGGAGTCCACTTCCAGTGGGCTTTGTTGGCTTCGTACTGTTTCTTATAGTCCAG[C>A]TGTTTTTAACAGGAGAGAAAGGAATCACTTGATTCAGTAGGCTAAATTCATAAACACACA-3'

ClinVar aggregate classification (germline): Likely pathogenic (1 of 4 stars; one submission).

Conditions:
Nemaline myopathy 2 (NEM2). Also called: Nemaline myopathy 2, autosomal recessive. Identifiers: MedGen C1850569, MONDO:0009725, OMIM 256030.

Submission:

Labcorp Genetics (formerly Invitae), Labcorp
Classification: Likely pathogenic for Nemaline myopathy 2. Last evaluated: 2022-03-01. Review status: criteria provided, single submitter. Criteria: Invitae Variant Classification Sherloc (09022015). Collection method: clinical testing. Allele origin: germline.
Comment: In summary, the currently available evidence indicates that the variant is pathogenic, but additional data are needed to prove that conclusively. Therefore, this variant has been classified as Likely Pathogenic. Algorithms developed to predict the effect of sequence changes on RNA splicing suggest that this variant may disrupt the consensus splice site. This variant has not been reported in the literature in individuals affected with NEB-related conditions. This variant is not present in population databases (gnomAD no frequency). This sequence change affects an acceptor splice site in intron 147 of the NEB gene. It is expected to disrupt RNA splicing. Variants that disrupt the donor or acceptor splice site typically lead to a loss of protein function (PMID: 16199547), and loss-of-function variants in NEB are known to be pathogenic (PMID: 25205138).

Literature cited by the submitters: PubMed 16199547; PubMed 25205138.